The following is an entry in ClinVar:

ClinVar aggregate classification (germline): Uncertain significance (1 of 4 stars; one submission).

Conditions:
Hereditary breast ovarian cancer syndrome. Also called: Hereditary breast and ovarian cancer syndrome; Hereditary breast and/or ovarian cancer syndrome; BRCA1- and BRCA2-Associated Hereditary Breast and Ovarian Cancer; Hereditary breast and ovarian cancer syndrome (HBOC); Hereditary breast and ovarian cancer; Breast and ovarian cancer. Identifiers: Orphanet 145, MedGen C0677776, MeSH D061325, MONDO:0003582. Disease mechanism: loss of function.

Allele frequency attached by ClinVar (database versions not stated): gnomAD exomes below 0.00001.
gnomAD v4.1: 1 of 1,613,480 alleles (0.000062%); highest among the groups gnomAD compares: Non-Finnish European, 0.000085%; no homozygotes.

Submission:

Labcorp Genetics (formerly Invitae), Labcorp
Classification: Uncertain significance for Hereditary breast ovarian cancer syndrome. Last evaluated: 2023-05-17. Review status: criteria provided, single submitter. Criteria: Invitae Variant Classification Sherloc (09022015). Collection method: clinical testing. Allele origin: germline.
Comment: This sequence change replaces serine, which is neutral and polar, with proline, which is neutral and non-polar, at codon 36 of the BRCA2 protein (p.Ser36Pro). In summary, the available evidence is currently insufficient to determine the role of this variant in disease. Therefore, it has been classified as a Variant of Uncertain Significance. Advanced modeling of protein sequence and biophysical properties (such as structural, functional, and spatial information, amino acid conservation, physicochemical variation, residue mobility, and thermodynamic stability) performed at Invitae indicates that this missense variant is not expected to disrupt BRCA2 protein function. This variant has not been reported in the literature in individuals affected with BRCA2-related conditions. This variant is not present in population databases (gnomAD no frequency).

NM_000059.4(BRCA2):c.106T>C (p.Ser36Pro)

Gene: BRCA2 (BRCA2 DNA repair associated; plus strand). Cytogenetic location: 13q13.1.
Variant type: single nucleotide variant.
Coding change: c.106T>C on transcript NM_000059.4 (MANE Select); coding-DNA position 106, T replaced by C.
Protein change: p.Ser36Pro; replaces serine 36 with proline.
Molecular consequence: missense variant. On other transcripts: 5 prime UTR variant (1), non-coding transcript variant (1).
Genome position (GRCh38, 1-based): chr13:32,319,115, T>C. VCF-style: chr13-32319115-T-C. GRCh37 (hg19) VCF-style: chr13-32893252-T-C.
Other names: c.106T>C, p.Ser36Pro (NM_001406719.1, NM_001406720.1, NM_001406721.1); c.-264T>C (NM_001406722.1); short protein forms S36P.
Identifiers: ClinVar variation 2865109 (VCV002865109.3), dbSNP rs2138703877, ClinGen allele CA387754169.